The following is an entry in ClinVar:

NM_181705.4(LYRM7):c.17A>G (p.Lys6Arg)

Gene: LYRM7 (LYR motif containing 7; plus strand). Cytogenetic location: 5q23.3.
Variant type: single nucleotide variant.
Coding change: c.17A>G on transcript NM_181705.4 (MANE Select); coding-DNA position 17, A replaced by G.
Protein change: p.Lys6Arg; replaces lysine 6 with arginine.
Molecular consequence: missense variant. On other transcripts: non-coding transcript variant (1).
Genome position (GRCh38, 1-based): chr5:131,171,037, A>G. VCF-style: chr5-131171037-A-G. GRCh37 (hg19) VCF-style: chr5-130506730-A-G.
Other names: c.17A>G, p.Lys6Arg (NM_001293735.2); short protein forms K6R.
Identifiers: ClinVar variation 1707236 (VCV001707236.2), dbSNP rs758247857, ClinGen allele CA360839250.

ClinVar aggregate classification (germline): Uncertain significance (1 of 4 stars; one submission).

Allele frequency attached by ClinVar (database versions not stated): gnomAD exomes below 0.00001.
gnomAD v4.1: 1 of 1,531,922 alleles (0.000065%); highest among the groups gnomAD compares: Non-Finnish European, 0.000087%; no homozygotes.

Submission:

GeneDx
Classification: Uncertain significance. Last evaluated: 2022-03-21. Review status: criteria provided, single submitter. Criteria: GeneDx Variant Classification Process June 2021. Collection method: clinical testing. Allele origin: germline. Affected: yes.
Comment: Not observed at significant frequency in large population cohorts (gnomAD); In silico analysis supports a deleterious effect on splicing; In silico analysis supports that this missense variant does not alter protein structure/function; Has not been previously published as pathogenic or benign to our knowledge